The following is an entry in ClinVar:

NM_001204.7(BMPR2):c.641A>G (p.Tyr214Cys)

Gene: BMPR2 (bone morphogenetic protein receptor type 2; plus strand). Cytogenetic location: 2q33.2.
Variant type: single nucleotide variant.
Coding change: c.641A>G on transcript NM_001204.7 (MANE Select); coding-DNA position 641, A replaced by G.
Protein change: p.Tyr214Cys; replaces tyrosine 214 with cysteine.
Molecular consequence: missense variant.
Genome position (GRCh38, 1-based): chr2:202,518,841, A>G. VCF-style: chr2-202518841-A-G. GRCh37 (hg19) VCF-style: chr2-203383564-A-G.
Other names: short protein forms Y214C.
Identifiers: ClinVar variation 3824734 (VCV003824734.1).

ClinVar aggregate classification (germline): Uncertain significance (1 of 4 stars; one submission).

Conditions:
Inborn genetic diseases. Identifiers: MedGen C0950123, MeSH D030342.

gnomAD v4.1: 1 of 1,614,106 alleles (0.000062%); highest among the groups gnomAD compares: Non-Finnish European, 0.000085%; no homozygotes.

Submission:

Ambry Genetics
Classification: Uncertain significance for Inborn genetic diseases. Last evaluated: 2024-12-12. Review status: criteria provided, single submitter. Criteria: Ambry Variant Classification Scheme 2023. Collection method: clinical testing. Allele origin: germline.
Comment: The p.Y214C variant (also known as c.641A>G), located in coding exon 6 of the BMPR2 gene, results from an A to G substitution at nucleotide position 641. The tyrosine at codon 214 is replaced by cysteine, an amino acid with highly dissimilar properties. This amino acid position is conserved. In addition, this alteration is predicted to be deleterious by in silico analysis. Based on the available evidence, the clinical significance of this variant remains unclear.